The following is an entry in ClinVar:

NM_022124.6(CDH23):c.5300_5303dup (p.His1769fs)

Gene: CDH23 (cadherin related 23; plus strand). Cytogenetic location: 10q22.1.
Variant type: Duplication.
Coding change: c.5300_5303dup on transcript NM_022124.6 (MANE Select); coding-DNA positions 5300 to 5303, 4 bases duplicated (TGGC; older notation c.5300_5303dupTGGC).
Protein change: p.His1769fs; shifts the reading frame from histidine 1769.
Molecular consequence: frameshift variant.
Genome position (GRCh38, 1-based): chr10:71,779,379-71,779,382, TGGC duplicated; duplicating any 4 consecutive bases within chr10:71,779,378-71,779,382 gives the same sequence; the c. name uses the placement nearest the transcript's 3' end. VCF-style (leftmost placement, unchanged base first): chr10-71779377-C-CCTGG. GRCh37 (hg19) VCF-style: chr10-73539134-C-CCTGG.
Other names: c.5300_5303dupTGGC (NM_022124.5); short protein forms H1769fs.
Identifiers: ClinVar variation 1070502 (VCV001070502.10), dbSNP rs2132929769, ClinGen allele CA2499220339.

ClinVar aggregate classification (germline): Pathogenic/Likely pathogenic. Review status: criteria provided, multiple submitters, no conflicts (2 of 4 stars). 5 submissions from 5 submitters: Pathogenic (2); Likely pathogenic (3). Last evaluated 2025-12-08.

Conditions:
Pituitary adenoma 5, multiple types. Identifiers: MedGen C4539685, MONDO:0054601, OMIM 617540.
Usher syndrome type 1D (USH1D). Also called: USHER SYNDROME, TYPE ID. Identifiers: Orphanet 231169, Orphanet 886, MedGen C1832845, MONDO:0010984, OMIM 601067.
Autosomal recessive nonsyndromic hearing loss 12. Also called: DEAFNESS, AUTOSOMAL RECESSIVE 12. Identifiers: Orphanet 90636, MedGen C1832394, MONDO:0011067, OMIM 601386.
CDH23-related disorder. Also called: CDH23-related disorders; CDH23-related condition.
Usher syndrome. Also called: Usher Syndromes; Usher's syndrome. Identifiers: Orphanet 886, MedGen CN469326, MeSH D052245, MONDO:0019501. Disease mechanism: loss of function.

Submissions (5):

PreventionGenetics, part of Exact Sciences
Classification: Pathogenic for CDH23-related condition. Last evaluated: 2025-12-08. Review status: criteria provided, single submitter. Criteria: ACMG Guidelines, 2015. Collection method: clinical testing. Allele origin: germline.
Comment: The CDH23 c.5300_5303dupTGGC variant is predicted to result in a frameshift and premature protein termination (p.His1769Glyfs*3). To our knowledge, this variant has not been reported in the literature or in a large population database, indicating this variant is rare. Frameshift variants in CDH23 are expected to be pathogenic. This variant is interpreted as pathogenic.

Fulgent Genetics
Classification: Likely pathogenic for Usher syndrome type 1D; Autosomal recessive nonsyndromic hearing loss 12; Pituitary adenoma 5, multiple types. Last evaluated: 2024-06-10. Review status: criteria provided, single submitter. Criteria: ACMG Guidelines, 2015. Collection method: clinical testing. Allele origin: germline.

Women's Health and Genetics/Laboratory Corporation of America, LabCorp
Classification: Likely pathogenic for Usher syndrome. Last evaluated: 2023-03-07. Review status: criteria provided, single submitter. Criteria: LabCorp Variant Classification Summary - May 2015. Collection method: clinical testing. Allele origin: germline.
Comment: Variant summary: CDH23 c.5300_5303dupTGGC (p.His1769GlyfsX3) results in a premature termination codon, predicted to cause a truncation of the encoded protein or absence of the protein due to nonsense mediated decay, which are commonly known mechanisms for disease. The variant was absent in 248956 control chromosomes (gnomAD). To our knowledge, no occurrence of c.5300_5303dupTGGC in individuals affected with Usher Syndrome and no experimental evidence demonstrating its impact on protein function have been reported. One clinical diagnostic laboratory has submitted a clinical-significance assessment for this variant to ClinVar after 2014 and classified the variant as pathogenic. Based on the evidence outlined above, the variant was classified as likely pathogenic.

Blueprint Genetics
Classification: Likely pathogenic for CDH23-related disorders. Last evaluated: 2022-09-28. Review status: criteria provided, single submitter. Criteria: ACMG Guidelines, 2015. Collection method: clinical testing. Allele origin: germline. Affected: yes. Observed: 1 variant allele.

Labcorp Genetics (formerly Invitae), Labcorp
Classification: Pathogenic. Last evaluated: 2022-06-27. Review status: criteria provided, single submitter. Criteria: Invitae Variant Classification Sherloc (09022015). Collection method: clinical testing. Allele origin: germline.
Comment: This variant has not been reported in the literature in individuals affected with CDH23-related conditions. This sequence change creates a premature translational stop signal (p.His1769Glyfs*3) in the CDH23 gene. It is expected to result in an absent or disrupted protein product. Loss-of-function variants in CDH23 are known to be pathogenic (PMID: 11138009, 21940737). This variant is not present in population databases (gnomAD no frequency). ClinVar contains an entry for this variant (Variation ID: 1070502). For these reasons, this variant has been classified as Pathogenic.

Literature cited by the submitters: PubMed 11138009 (cited by Labcorp Genetics (formerly Invitae), Labcorp); PubMed 21940737 (cited by Labcorp Genetics (formerly Invitae), Labcorp).